The following is an entry in ClinVar:

NM_005257.6(GATA6):c.200C>G (p.Thr67Arg)

Gene: GATA6 (GATA binding protein 6; plus strand). Cytogenetic location: 18q11.2.
Variant type: single nucleotide variant.
Coding change: c.200C>G on transcript NM_005257.6 (MANE Select); coding-DNA position 200, C replaced by G.
Protein change: p.Thr67Arg; replaces threonine 67 with arginine.
Molecular consequence: missense variant.
Genome position (GRCh38, 1-based): chr18:22,171,344, C>G. VCF-style: chr18-22171344-C-G. GRCh37 (hg19) VCF-style: chr18-19751305-C-G.
Other names: c.200C>G (NM_005257.4); short protein forms T67R.
Identifiers: ClinVar variation 540138 (VCV000540138.11), dbSNP rs933199729, ClinGen allele CA297147357.
Genomic context (GRCh38, chr18:22,171,344, plus strand): 5'-CCCGGGGCGGAGAGCGGGGCCCCGGCGGCGCCAGCAACTGCGGGACGCCTCAGCTCGACA[C>G]GGAGGCGGCGGCCGGACCCCCGGCCCGCTCGCTGCTGCTCAGTTCCTACGCTTCGCATCC-3'
Protein context (NP_005248.2, residues 57-77): ASNCGTPQLD[Thr67Arg]EAAAGPPARS

ClinVar aggregate classification (germline): Uncertain significance. Review status: criteria provided, multiple submitters, no conflicts (2 of 4 stars). 2 submissions from 2 submitters: Uncertain significance (2). Last evaluated 2026-01-15.

Conditions:
Atrioventricular septal defect 5 (AVSD5). Identifiers: MedGen C3280939, MONDO:0013769, OMIM 614474.

Allele frequency attached by ClinVar (database versions not stated): gnomAD 0.00001; TOPMed 0.00001; gnomAD exomes 0.00003.
gnomAD v4.1: 31 of 1,585,998 alleles (0.002%); highest among the groups gnomAD compares: Non-Finnish European, 0.0026%; no homozygotes.

Submissions (2):

Labcorp Genetics (formerly Invitae), Labcorp
Classification: Uncertain significance for Atrioventricular septal defect 5. Last evaluated: 2026-01-15. Review status: criteria provided, single submitter. Criteria: Invitae Variant Classification Sherloc (09022015). Collection method: clinical testing. Allele origin: germline.
Comment: This sequence change replaces threonine, which is neutral and polar, with arginine, which is basic and polar, at codon 67 of the GATA6 protein (p.Thr67Arg). This variant is present in population databases (no rsID available, gnomAD 0.007%). This variant has not been reported in the literature in individuals affected with GATA6-related conditions. ClinVar contains an entry for this variant (Variation ID: 540138). An algorithm developed to predict the effect of missense changes on protein structure and function outputs the following: PolyPhen-2: "Benign". The arginine amino acid residue is found in multiple mammalian species, which suggests that this missense change does not adversely affect protein function. In summary, the available evidence is currently insufficient to determine the role of this variant in disease. Therefore, it has been classified as a Variant of Uncertain Significance.

GeneDx
Classification: Uncertain significance. Last evaluated: 2024-06-11. Review status: criteria provided, single submitter. Criteria: GeneDx Variant Classification Process June 2021. Collection method: clinical testing. Allele origin: germline. Affected: yes.
Comment: Has not been previously published as pathogenic or benign to our knowledge; In silico analysis indicates that this missense variant does not alter protein structure/function